The following is an entry in ClinVar:

NM_002439.5(MSH3):c.590T>G (p.Leu197Arg)

Gene: MSH3 (mutS homolog 3; plus strand). Cytogenetic location: 5q14.1.
Variant type: single nucleotide variant.
Coding change: c.590T>G on transcript NM_002439.5 (MANE Select); coding-DNA position 590, T replaced by G.
Protein change: p.Leu197Arg; replaces leucine 197 with arginine.
Molecular consequence: missense variant.
Genome position (GRCh38, 1-based): chr5:80,670,107, T>G. VCF-style: chr5-80670107-T-G. GRCh37 (hg19) VCF-style: chr5-79965926-T-G.
Other names: short protein forms L197R.
Identifiers: ClinVar variation 826052 (VCV000826052.18), dbSNP rs1181059079, ClinGen allele CA360265886.

ClinVar aggregate classification (germline): Uncertain significance. Review status: criteria provided, multiple submitters, no conflicts (2 of 4 stars). 4 submissions from 4 submitters: Uncertain significance (4). Last evaluated 2025-03-04.

Conditions:
Hereditary cancer-predisposing syndrome. Also called: Neoplastic Syndromes, Hereditary; Tumor predisposition; Hereditary neoplastic syndrome; Hereditary Cancer Syndrome. Identifiers: Orphanet 140162, MedGen C0027672, MeSH D009386, MONDO:0015356.
Endometrial carcinoma. Also called: Endometrial carcinoma, somatic. Identifiers: MedGen C0476089, MONDO:0002447, OMIM 608089, HP:0012114.

Allele frequency attached by ClinVar (database versions not stated): gnomAD exomes 0.00001.

Submissions (4):

Center for Genomic Medicine, Rigshospitalet, Copenhagen University Hospital
Classification: Uncertain significance. Last evaluated: 2025-03-04. Review status: criteria provided, single submitter. Criteria: ACMG Guidelines, 2015. Collection method: clinical testing. Allele origin: germline.

Labcorp Genetics (formerly Invitae), Labcorp
Classification: Uncertain significance. Last evaluated: 2024-07-30. Review status: criteria provided, single submitter. Criteria: Invitae Variant Classification Sherloc (09022015). Collection method: clinical testing. Allele origin: germline.
Comment: This sequence change replaces leucine, which is neutral and non-polar, with arginine, which is basic and polar, at codon 197 of the MSH3 protein (p.Leu197Arg). This variant is present in population databases (no rsID available, gnomAD 0.006%). This variant has not been reported in the literature in individuals affected with MSH3-related conditions. ClinVar contains an entry for this variant (Variation ID: 826052). An algorithm developed to predict the effect of missense changes on protein structure and function (PolyPhen-2) suggests that this variant is likely to be tolerated. In summary, the available evidence is currently insufficient to determine the role of this variant in disease. Therefore, it has been classified as a Variant of Uncertain Significance.

Ambry Genetics
Classification: Uncertain significance for Hereditary cancer-predisposing syndrome. Last evaluated: 2024-01-31. Review status: criteria provided, single submitter. Criteria: Ambry Variant Classification Scheme 2023. Collection method: clinical testing. Allele origin: germline.
Comment: The p.L197R variant (also known as c.590T>G), located in coding exon 4 of the MSH3 gene, results from a T to G substitution at nucleotide position 590. The leucine at codon 197 is replaced by arginine, an amino acid with dissimilar properties. This amino acid position is poorly conserved in available vertebrate species. In addition, this alteration is predicted to be tolerated by in silico analysis. Since supporting evidence is limited at this time, the clinical significance of this alteration remains unclear.

Department of Pathology and Laboratory Medicine, Sinai Health System
Classification: Uncertain significance for Endometrial carcinoma. Last evaluated: 2021-10-21. Review status: criteria provided, single submitter. Criteria: ACMG Guidelines, 2015. Collection method: clinical testing. Allele origin: germline. Affected: yes.